The following is an entry in ClinVar:

ClinVar aggregate classification (germline): Conflicting classifications of pathogenicity. Review status: criteria provided, conflicting classifications (1 of 4 stars). 9 submissions from 9 submitters: Uncertain significance (1); Likely benign (5). 3 of the submissions do not count toward it. Last evaluated 2026-01-27.

Conditions:
Cardiovascular phenotype. Identifiers: MedGen CN230736.
ABCG8-related disorder. Also called: ABCG8-related condition.
Sitosterolemia 1. Identifiers: MedGen C2749759, MONDO:0020747, OMIM 210250.

Allele frequency attached by ClinVar (database versions not stated): ESP Exome Variant Server 0.00031; TOPMed 0.00036; ExAC 0.00043; gnomAD 0.00056 and 0.00060; 1000 Genomes Project 0.00080; 1000 Genomes Project 30x 0.00094.

Submissions (9):

Labcorp Genetics (formerly Invitae), Labcorp
Classification: Likely benign. Last evaluated: 2026-01-27. Review status: criteria provided, single submitter. Criteria: Invitae Variant Classification Sherloc (09022015). Collection method: clinical testing. Allele origin: germline.

Mayo Clinic Laboratories, Mayo Clinic
Classification: Likely benign. Last evaluated: 2024-12-16. Review status: criteria provided, single submitter. Criteria: ACMG Guidelines, 2015. Collection method: clinical testing. Allele origin: germline. Observed: 1 variant allele.
Comment: BP4, BP7

Blueprint Genetics
Classification: Likely benign. Last evaluated: 2024-10-28. Review status: criteria provided, single submitter. Criteria: ACMG Guidelines, 2015. Collection method: clinical testing. Allele origin: germline.

Ambry Genetics
Classification: Likely benign for Cardiovascular phenotype. Last evaluated: 2022-04-01. Review status: criteria provided, single submitter. Criteria: Ambry Variant Classification Scheme 2023. Collection method: clinical testing. Allele origin: germline.

Eurofins Ntd Llc (ga)
Classification: Likely benign. Last evaluated: 2018-02-02. Review status: criteria provided, single submitter. Criteria: EGL Classification Definitions 2015. Collection method: clinical testing. Allele origin: germline. Observed: 5 variant alleles, 5 heterozygotes.

Illumina Laboratory Services, Illumina
Classification: Uncertain significance for Sitosterolemia 1. Last evaluated: 2018-01-13. Review status: criteria provided, single submitter. Criteria: ICSL Variant Classification Criteria 13 December 2019. Collection method: clinical testing. Allele origin: germline.

PreventionGenetics, part of Exact Sciences
Classification: Likely benign for ABCG8-related condition. Last evaluated: 2021-04-06. Review status: no assertion criteria provided. Collection method: clinical testing. Allele origin: germline. Not counted in ClinVar's aggregate classification.
Comment: This variant is classified as likely benign based on ACMG/AMP sequence variant interpretation guidelines (Richards et al. 2015 PMID: 25741868, with internal and published modifications).

Clinical Genetics DNA and cytogenetics Diagnostics Lab, Erasmus MC, Erasmus Medical Center
Classification: Likely benign. Review status: no assertion criteria provided. Collection method: clinical testing. Allele origin: germline. Affected: yes. Study: VKGL Data-share Consensus. Not counted in ClinVar's aggregate classification.

Clinical Genetics, Academic Medical Center
Classification: Benign. Review status: no assertion criteria provided. Collection method: clinical testing. Allele origin: germline. Affected: yes. Study: VKGL Data-share Consensus. Not counted in ClinVar's aggregate classification.

NM_022437.3(ABCG8):c.576C>T (p.Ile192=)

Gene: ABCG8 (ATP binding cassette subfamily G member 8; plus strand). Cytogenetic location: 2p21.
Variant type: single nucleotide variant.
Coding change: c.576C>T on transcript NM_022437.3 (MANE Select); coding-DNA position 576, C replaced by T.
Protein change: p.Ile192=; no amino-acid change (isoleucine 192 retained).
Molecular consequence: synonymous variant.
Genome position (GRCh38, 1-based): chr2:43,852,368, C>T. VCF-style: chr2-43852368-C-T. GRCh37 (hg19) VCF-style: chr2-44079507-C-T.
Other names: p.Ile192=; c.576C>T, p.Ile192= (NM_001357321.2).
Identifiers: ClinVar variation 497595 (VCV000497595.27), dbSNP rs148058949, ClinGen allele CA1637076.